The following is an entry in ClinVar:

ClinVar aggregate classification (germline): Uncertain significance (1 of 4 stars; one submission).

Conditions:
VWF-related disorder. Also called: VWF-related disorders; VWF-related condition.

gnomAD v4.1: 34 of 1,613,652 alleles (0.0021%); highest among the groups gnomAD compares: African/African-American, 0.004%; no homozygotes.

Submission:

PreventionGenetics, part of Exact Sciences
Classification: Uncertain significance for VWF-related condition. Last evaluated: 2025-03-27. Review status: criteria provided, single submitter. Criteria: ACMG Guidelines, 2015. Collection method: clinical testing. Allele origin: germline.
Comment: The VWF c.1613C>A variant is predicted to result in the amino acid substitution p.Pro538His. This variant has been reported in an individual with C3 glomerulopathy (Chen et al. 2021. PubMed ID: 34245915). This variant is reported in 0.0040% of alleles in individuals of African descent in gnomAD. At this time, the clinical significance of this variant is uncertain due to the absence of conclusive functional and genetic evidence.

NM_000552.5(VWF):c.1613C>A (p.Pro538His)

Gene: VWF (von Willebrand factor; minus strand). Cytogenetic location: 12p13.31.
Variant type: single nucleotide variant.
Coding change: c.1613C>A on transcript NM_000552.5 (MANE Select); coding-DNA position 1613, C replaced by A.
Protein change: p.Pro538His; replaces proline 538 with histidine.
Molecular consequence: missense variant.
Genome position (GRCh38, 1-based): chr12:6,057,965, G>T on the plus strand (C>A on the coding strand, the complement: VWF is on the minus strand). VCF-style: chr12-6057965-G-T. GRCh37 (hg19) VCF-style: chr12-6167131-G-T.
Other names: short protein forms P538H.
Identifiers: ClinVar variation 4980675 (VCV004980675.1).